The following is an entry in ClinVar:

ClinVar aggregate classification (germline): Likely pathogenic (1 of 4 stars; one submission).

Conditions:
Developmental and epileptic encephalopathy 94 (DEE94). Also called: Epileptic encephalopathy, childhood-onset; CHD2-Related Neurodevelopmental Disorders. Identifiers: Orphanet 1942, Orphanet 2382, MedGen C3809278, MONDO:0014150, OMIM 615369.

Submission:

Labcorp Genetics (formerly Invitae), Labcorp
Classification: Likely pathogenic for Developmental and epileptic encephalopathy 94. Last evaluated: 2021-01-11. Review status: criteria provided, single submitter. Criteria: Invitae Variant Classification Sherloc (09022015). Collection method: clinical testing. Allele origin: germline.
Comment: This sequence change falls in intron 7 of the CHD2 gene. It does not directly change the encoded amino acid sequence of the CHD2 protein. It affects a nucleotide within the consensus splice site of the intron. In summary, the currently available evidence indicates that the variant is pathogenic, but additional data are needed to prove that conclusively. Therefore, this variant has been classified as Likely Pathogenic. Nucleotide substitutions within the consensus splice site are a relatively common cause of aberrant splicing (PMID: 17576681, 9536098). Algorithms developed to predict the effect of sequence changes on RNA splicing suggest that this variant may disrupt the consensus splice site, but this prediction has not been confirmed by published transcriptional studies. This variant has been observed in individual(s) with clinical features of childhood-onset epileptic encephalopathy (Invitae). In at least one individual the variant was observed to be de novo. This variant is not present in population databases (ExAC no frequency).

Literature cited by the submitters: PubMed 17576681; PubMed 9536098.

NM_001271.4(CHD2):c.693-3C>A

Gene: CHD2 (chromodomain helicase DNA binding protein 2; plus strand). Cytogenetic location: 15q26.1.
Variant type: single nucleotide variant.
Coding change: c.693-3C>A on transcript NM_001271.4 (MANE Select); 3 bases into the intron before coding-DNA position 693, C replaced by A.
Molecular consequence: intron variant.
Genome position (GRCh38, 1-based): chr15:92,941,819, C>A. VCF-style: chr15-92941819-C-A. GRCh37 (hg19) VCF-style: chr15-93485049-C-A.
Other names: c.693-3C>A (NM_001042572.3).
Identifiers: ClinVar variation 1502405 (VCV001502405.8), dbSNP rs2141785016, ClinGen allele CA2573151500.